The following is an entry in ClinVar:

NM_001458.5(FLNC):c.7979G>A (p.Cys2660Tyr)

Genes: FLNC (filamin C; plus strand), FLNC-AS1 (FLNC antisense RNA 1; minus strand). Cytogenetic location: 7q32.1.
Variant type: single nucleotide variant.
Coding change: c.7979G>A on transcript NM_001458.5 (MANE Select); coding-DNA position 7979, G replaced by A.
Protein change: p.Cys2660Tyr; replaces cysteine 2660 with tyrosine.
Molecular consequence: missense variant.
Genome position (GRCh38, 1-based): chr7:128,858,206, G>A. VCF-style: chr7-128858206-G-A. GRCh37 (hg19) VCF-style: chr7-128498260-G-A.
Other names: c.7880G>A, p.Cys2627Tyr (NM_001127487.2); short protein forms C2627Y, C2660Y.
Identifiers: ClinVar variation 2931860 (VCV002931860.3), dbSNP rs2536673264, ClinGen allele CA369220788.
Genomic context (GRCh38, chr7:128,858,206, plus strand): 5'-CTCGGGGCCCTGGGCTGTCCCAGGCCTTCGTGGGCCAGAAGAACTCCTTCACCGTGGACT[G>A]CAGCAAAGCAGGCAGGTGGCGGGGGGAGGGCGTCTCCCGGGGTGTGAGCAAGAAGCCGTC-3'
Protein context (NP_001449.3, residues 2650-2670): VGQKNSFTVD[Cys2660Tyr]SKAGTNMMMV

ClinVar aggregate classification (germline): Uncertain significance (1 of 4 stars; one submission).

Conditions:
Hypertrophic cardiomyopathy 26. Also called: Cardiomyopathy, familial hypertrophic, 26. Identifiers: Orphanet 75249, MedGen C4310749, MONDO:0014883, OMIM 617047.
Myofibrillar myopathy 5. Also called: Filaminopathy (type); FILAMINOPATHY, AUTOSOMAL DOMINANT. Identifiers: Orphanet 171445, MedGen C1836050, MONDO:0012289, OMIM 609524.
Distal myopathy with posterior leg and anterior hand involvement. Also called: WILLIAMS DISTAL MYOPATHY. Identifiers: Orphanet 63273, MedGen C3279722, MONDO:0013550, OMIM 614065.

Submission:

Labcorp Genetics (formerly Invitae), Labcorp
Classification: Uncertain significance for Distal myopathy with posterior leg and anterior hand involvement; Myofibrillar myopathy 5; Hypertrophic cardiomyopathy 26. Last evaluated: 2023-08-08. Review status: criteria provided, single submitter. Criteria: Invitae Variant Classification Sherloc (09022015). Collection method: clinical testing. Allele origin: germline.
Comment: This sequence change replaces cysteine, which is neutral and slightly polar, with tyrosine, which is neutral and polar, at codon 2660 of the FLNC protein (p.Cys2660Tyr). This variant is not present in population databases (gnomAD no frequency). This variant has not been reported in the literature in individuals affected with FLNC-related conditions. Advanced modeling of protein sequence and biophysical properties (such as structural, functional, and spatial information, amino acid conservation, physicochemical variation, residue mobility, and thermodynamic stability) has been performed at Invitae for this missense variant, however the output from this modeling did not meet the statistical confidence thresholds required to predict the impact of this variant on FLNC protein function. In summary, the available evidence is currently insufficient to determine the role of this variant in disease. Therefore, it has been classified as a Variant of Uncertain Significance.